The following is an entry in ClinVar:

NM_000988.5(RPL27):c.41T>A (p.Leu14Gln)

Genes: RPL27 (ribosomal protein L27; plus strand), LOC126862570 (CDK7 strongly-dependent group 2 enhancer GRCh37_chr17:41149993-41151192; plus strand). Cytogenetic location: 17q21.31.
Variant type: single nucleotide variant.
Coding change: c.41T>A on transcript NM_000988.5 (MANE Select); coding-DNA position 41, T replaced by A.
Protein change: p.Leu14Gln; replaces leucine 14 with glutamine.
Molecular consequence: missense variant. On other transcripts: non-coding transcript variant (1).
Genome position (GRCh38, 1-based): chr17:42,998,791, T>A. VCF-style: chr17-42998791-T-A. GRCh37 (hg19) VCF-style: chr17-41150808-T-A.
Other names: c.41T>A, p.Leu14Gln (NM_001349921.2, NM_001349922.2); short protein forms L14Q.
Identifiers: ClinVar variation 4759807 (VCV004759807.1).

ClinVar aggregate classification (germline): Uncertain significance (1 of 4 stars; one submission).

gnomAD v4.1: 21 of 1,613,942 alleles (0.0013%); highest among the groups gnomAD compares: African/African-American, 0.021%; no homozygotes.

Submission:

Labcorp Genetics (formerly Invitae), Labcorp
Classification: Uncertain significance. Last evaluated: 2025-07-16. Review status: criteria provided, single submitter. Criteria: Invitae Variant Classification Sherloc (09022015). Collection method: clinical testing. Allele origin: germline.
Comment: This sequence change replaces leucine, which is neutral and non-polar, with glutamine, which is neutral and polar, at codon 14 of the RPL27 protein (p.Leu14Gln). This variant is present in population databases (rs143145441, gnomAD 0.02%). This variant has not been reported in the literature in individuals affected with RPL27-related conditions. An algorithm developed to predict the effect of missense changes on protein structure and function (PolyPhen-2) suggests that this variant is likely to be disruptive. In summary, the available evidence is currently insufficient to determine the role of this variant in disease. Therefore, it has been classified as a Variant of Uncertain Significance.